The following is an entry in ClinVar:

ClinVar aggregate classification (germline): Uncertain significance. Review status: criteria provided, multiple submitters, no conflicts (2 of 4 stars). 5 submissions from 5 submitters: Uncertain significance (3). 2 of the submissions do not count toward it. Last evaluated 2024-04-08.

Conditions:
Congenital cataracts-facial dysmorphism-neuropathy syndrome (CCFDN). Also called: CTDP1-Related Congenital Cataracts, Facial Dysmorphism, and Neuropathy; CATARACT, CONGENITAL, WITH FACIAL DYSMORPHISM AND NEUROPATHY. Identifiers: Orphanet 48431, MedGen C1858726, MONDO:0011402, OMIM 604168.

Allele frequency attached by ClinVar (database versions not stated): ExAC 0.00002; gnomAD exomes 0.00002 and 0.00003; gnomAD 0.00006; TOPMed 0.00006.

Submissions (5):

Ambry Genetics
Classification: Uncertain significance. Last evaluated: 2024-04-08. Review status: criteria provided, single submitter. Criteria: Ambry Variant Classification Scheme 2023. Collection method: clinical testing. Allele origin: germline.

Labcorp Genetics (formerly Invitae), Labcorp
Classification: Uncertain significance. Last evaluated: 2022-09-27. Review status: criteria provided, single submitter. Criteria: Invitae Variant Classification Sherloc (09022015). Collection method: clinical testing. Allele origin: germline.
Comment: This sequence change replaces proline, which is neutral and non-polar, with leucine, which is neutral and non-polar, at codon 144 of the CTDP1 protein (p.Pro144Leu). This variant is present in population databases (rs758618193, gnomAD 0.009%). This variant has not been reported in the literature in individuals affected with CTDP1-related conditions. ClinVar contains an entry for this variant (Variation ID: 1206052). Algorithms developed to predict the effect of missense changes on protein structure and function are either unavailable or do not agree on the potential impact of this missense change (SIFT: "Deleterious"; PolyPhen-2: "Probably Damaging"; Align-GVGD: "Class C0"). In summary, the available evidence is currently insufficient to determine the role of this variant in disease. Therefore, it has been classified as a Variant of Uncertain Significance.

Revvity Omics, Revvity
Classification: Uncertain significance for Congenital cataracts-facial dysmorphism-neuropathy syndrome. Last evaluated: 2022-03-29. Review status: criteria provided, single submitter. Criteria: ACMG Guidelines, 2015. Collection method: clinical testing. Allele origin: germline.

Clinical Genetics DNA and cytogenetics Diagnostics Lab, Erasmus MC, Erasmus Medical Center
Classification: Uncertain significance. Review status: no assertion criteria provided. Collection method: clinical testing. Allele origin: germline. Affected: yes. Study: VKGL Data-share Consensus. Not counted in ClinVar's aggregate classification.

Laboratory of Diagnostic Genome Analysis, Leiden University Medical Center (LUMC)
Classification: Uncertain significance. Review status: no assertion criteria provided. Collection method: clinical testing. Allele origin: germline. Affected: yes. Study: VKGL Data-share Consensus. Not counted in ClinVar's aggregate classification.

NM_004715.5(CTDP1):c.431C>T (p.Pro144Leu)

Gene: CTDP1 (CTD phosphatase subunit 1; plus strand). Cytogenetic location: 18q23.
Variant type: single nucleotide variant.
Coding change: c.431C>T on transcript NM_004715.5 (MANE Select); coding-DNA position 431, C replaced by T.
Protein change: p.Pro144Leu; replaces proline 144 with leucine.
Molecular consequence: missense variant.
Genome position (GRCh38, 1-based): chr18:79,696,009, C>T. VCF-style: chr18-79696009-C-T. GRCh37 (hg19) VCF-style: chr18-77456009-C-T.
Other names: c.74C>T, p.Pro25Leu (NM_001202504.1); c.431C>T, p.Pro144Leu (NM_001318511.2, NM_048368.4); c.431C>T (NM_004715.4); short protein forms P144L, P25L.
Identifiers: ClinVar variation 1206052 (VCV001206052.9), dbSNP rs758618193, ClinGen allele CA9009958.